The following is an entry in ClinVar:

ClinVar aggregate classification (germline): Uncertain significance (1 of 4 stars; one submission).

Allele frequency attached by ClinVar (database versions not stated): gnomAD exomes below 0.00001; gnomAD 0.00003; TOPMed 0.00003; ExAC 0.00004; ESP Exome Variant Server 0.00008; 1000 Genomes Project 30x 0.00016; 1000 Genomes Project 0.00020.

Submission:

Labcorp Genetics (formerly Invitae), Labcorp
Classification: Uncertain significance. Last evaluated: 2022-11-14. Review status: criteria provided, single submitter. Criteria: Invitae Variant Classification Sherloc (09022015). Collection method: clinical testing. Allele origin: germline.
Comment: This variant is present in population databases (rs376774572, gnomAD 0.05%). This sequence change replaces leucine, which is neutral and non-polar, with phenylalanine, which is neutral and non-polar, at codon 914 of the NNT protein (p.Leu914Phe). This variant has not been reported in the literature in individuals affected with NNT-related conditions. In summary, the available evidence is currently insufficient to determine the role of this variant in disease. Therefore, it has been classified as a Variant of Uncertain Significance. Algorithms developed to predict the effect of missense changes on protein structure and function (SIFT, PolyPhen-2, Align-GVGD) all suggest that this variant is likely to be tolerated.

NM_182977.3(NNT):c.2740C>T (p.Leu914Phe)

Gene: NNT (nicotinamide nucleotide transhydrogenase; plus strand). Cytogenetic location: 5p12.
Variant type: single nucleotide variant.
Coding change: c.2740C>T on transcript NM_182977.3 (MANE Select); coding-DNA position 2740, C replaced by T.
Protein change: p.Leu914Phe; replaces leucine 914 with phenylalanine.
Molecular consequence: missense variant.
Genome position (GRCh38, 1-based): chr5:43,675,616, C>T. VCF-style: chr5-43675616-C-T. GRCh37 (hg19) VCF-style: chr5-43675718-C-T.
Other names: c.2347C>T, p.Leu783Phe (NM_001331026.2); c.2740C>T, p.Leu914Phe (NM_012343.4); short protein forms L783F, L914F.
Identifiers: ClinVar variation 2897904 (VCV002897904.3), dbSNP rs376774572, ClinGen allele CA3258309.
Genomic context (GRCh38, chr5:43,675,616, plus strand): 5'-ACCACTTCAACAGCTGGTGGAAAACCCATGGAAATTTCTGGCACACATACGGAAATCAAC[C>T]TTGACAATGCAATTGACATGATTCGAGAAGCTAATAGCATTATTATTACACCAGGTAAAG-3'
Protein context (NP_892022.2, residues 904-924): EISGTHTEIN[Leu914Phe]DNAIDMIREA